The following is an entry in ClinVar:

NM_000452.3(SLC10A2):c.277C>T (p.Leu93Phe)

Gene: SLC10A2 (solute carrier family 10 member 2; minus strand). Cytogenetic location: 13q33.1.
Variant type: single nucleotide variant.
Coding change: c.277C>T on transcript NM_000452.3 (MANE Select); coding-DNA position 277, C replaced by T.
Protein change: p.Leu93Phe; replaces leucine 93 with phenylalanine.
Molecular consequence: missense variant.
Genome position (GRCh38, 1-based): chr13:103,065,973, G>A on the plus strand (C>T on the coding strand, the complement: SLC10A2 is on the minus strand). VCF-style: chr13-103065973-G-A. GRCh37 (hg19) VCF-style: chr13-103718323-G-A.
Other names: short protein forms L93F.
Identifiers: ClinVar variation 3715672 (VCV003715672.2).

ClinVar aggregate classification (germline): Uncertain significance (1 of 4 stars; one submission).

Submission:

Labcorp Genetics (formerly Invitae), Labcorp
Classification: Uncertain significance. Last evaluated: 2025-10-03. Review status: criteria provided, single submitter. Criteria: Invitae Variant Classification Sherloc (09022015). Collection method: clinical testing. Allele origin: germline.
Comment: This sequence change replaces leucine, which is neutral and non-polar, with phenylalanine, which is neutral and non-polar, at codon 93 of the SLC10A2 protein (p.Leu93Phe). This variant is present in population databases (rs371420830, gnomAD 0.02%). This variant has not been reported in the literature in individuals affected with SLC10A2-related conditions. ClinVar contains an entry for this variant (Variation ID: 3715672). Invitae Evidence Modeling of protein sequence and biophysical properties (such as structural, functional, and spatial information, amino acid conservation, physicochemical variation, residue mobility, and thermodynamic stability) indicates that this missense variant is not expected to disrupt SLC10A2 protein function with a negative predictive value of 80%. In summary, the available evidence is currently insufficient to determine the role of this variant in disease. Therefore, it has been classified as a Variant of Uncertain Significance.